The following is an entry in ClinVar:

NM_017636.4(TRPM4):c.3023C>A (p.Ala1008Glu)

Gene: TRPM4 (transient receptor potential cation channel subfamily M member 4; plus strand). Cytogenetic location: 19q13.33.
Variant type: single nucleotide variant.
Coding change: c.3023C>A on transcript NM_017636.4 (MANE Select); coding-DNA position 3023, C replaced by A.
Protein change: p.Ala1008Glu; replaces alanine 1008 with glutamic acid.
Molecular consequence: missense variant.
Genome position (GRCh38, 1-based): chr19:49,202,033, C>A. VCF-style: chr19-49202033-C-A. GRCh37 (hg19) VCF-style: chr19-49705290-C-A.
Other names: c.2588C>A, p.Ala863Glu (NM_001195227.2); c.2678C>A, p.Ala893Glu (NM_001321281.2); c.1415C>A, p.Ala472Glu (NM_001321282.2); c.2501C>A, p.Ala834Glu (NM_001321283.2); c.1961C>A, p.Ala654Glu (NM_001321285.2); short protein forms A654E, A472E, A834E, A863E, A1008E, A893E.
Identifiers: ClinVar variation 3462165 (VCV003462165.3).
Genomic context (GRCh38, chr19:49,202,033, plus strand): 5'-TGGAGCACAGCAACTGCTCGTCGGAGCCCGGCTTCTGGGCACACCCTCCTGGGGCCCAGG[C>A]GGGCACCTGCGTCTCCCAGTATGCCAACTGGCTGGTGGTGCTGCTCCTCGTCATCTTCCT-3'
Protein context (NP_060106.2, residues 998-1018): GFWAHPPGAQ[Ala1008Glu]GTCVSQYANW

ClinVar aggregate classification (germline): Uncertain significance. Review status: criteria provided, multiple submitters, no conflicts (2 of 4 stars). 2 submissions from 2 submitters: Uncertain significance (2). Last evaluated 2024-11-18.

Conditions:
Progressive familial heart block type IB (PFHB1B). Identifiers: Orphanet 871, MedGen C1970298, MONDO:0011474, OMIM 604559.
Cardiovascular phenotype. Identifiers: MedGen CN230736.

Submissions (2):

Labcorp Genetics (formerly Invitae), Labcorp
Classification: Uncertain significance for Progressive familial heart block type IB. Last evaluated: 2024-11-18. Review status: criteria provided, single submitter. Criteria: Invitae Variant Classification Sherloc (09022015). Collection method: clinical testing. Allele origin: germline.
Comment: This sequence change replaces alanine, which is neutral and non-polar, with glutamic acid, which is acidic and polar, at codon 1008 of the TRPM4 protein (p.Ala1008Glu). This variant is not present in population databases (gnomAD no frequency). This variant has not been reported in the literature in individuals affected with TRPM4-related conditions. An algorithm developed to predict the effect of missense changes on protein structure and function (PolyPhen-2) suggests that this variant is likely to be tolerated. In summary, the available evidence is currently insufficient to determine the role of this variant in disease. Therefore, it has been classified as a Variant of Uncertain Significance.

Ambry Genetics
Classification: Uncertain significance for Cardiovascular phenotype. Last evaluated: 2024-11-10. Review status: criteria provided, single submitter. Criteria: Ambry Variant Classification Scheme 2023. Collection method: clinical testing. Allele origin: germline.